The following is an entry in ClinVar:

ClinVar aggregate classification (germline): Uncertain significance (1 of 4 stars; one submission).

Allele frequency attached by ClinVar (database versions not stated): gnomAD exomes 0.00002; ExAC 0.00003.

Submission:

Labcorp Genetics (formerly Invitae), Labcorp
Classification: Uncertain significance. Last evaluated: 2022-11-01. Review status: criteria provided, single submitter. Criteria: Invitae Variant Classification Sherloc (09022015). Collection method: clinical testing. Allele origin: germline.
Comment: In summary, the available evidence is currently insufficient to determine the role of this variant in disease. Therefore, it has been classified as a Variant of Uncertain Significance. Algorithms developed to predict the effect of missense changes on protein structure and function are either unavailable or do not agree on the potential impact of this missense change (SIFT: "Tolerated"; PolyPhen-2: "Possibly Damaging"; Align-GVGD: "Class C0"). This sequence change replaces arginine, which is basic and polar, with glutamine, which is neutral and polar, at codon 639 of the PLEKHM2 protein (p.Arg639Gln). This variant is present in population databases (rs368652190, gnomAD 0.03%). This variant has not been reported in the literature in individuals affected with PLEKHM2-related conditions.

NM_015164.4(PLEKHM2):c.1916G>A (p.Arg639Gln)

Gene: PLEKHM2 (pleckstrin homology and RUN domain containing M2; plus strand). Cytogenetic location: 1p36.21.
Variant type: single nucleotide variant.
Coding change: c.1916G>A on transcript NM_015164.4 (MANE Select); coding-DNA position 1916, G replaced by A.
Protein change: p.Arg639Gln; replaces arginine 639 with glutamine.
Molecular consequence: missense variant.
Genome position (GRCh38, 1-based): chr1:15,728,352, G>A. VCF-style: chr1-15728352-G-A. GRCh37 (hg19) VCF-style: chr1-16054847-G-A.
Other names: c.1856G>A, p.Arg619Gln (NM_001410755.1); short protein forms R619Q, R639Q.
Identifiers: ClinVar variation 2717033 (VCV002717033.3), dbSNP rs368652190, ClinGen allele CA617060.